The following is an entry in ClinVar:

NM_000051.4(ATM):c.5723C>G (p.Thr1908Arg)

Gene: ATM (ATM serine/threonine kinase; plus strand). Cytogenetic location: 11q22.3.
Variant type: single nucleotide variant.
Coding change: c.5723C>G on transcript NM_000051.4 (MANE Select); coding-DNA position 5723, C replaced by G.
Protein change: p.Thr1908Arg; replaces threonine 1908 with arginine.
Molecular consequence: missense variant.
Genome position (GRCh38, 1-based): chr11:108,307,945, C>G. VCF-style: chr11-108307945-C-G. GRCh37 (hg19) VCF-style: chr11-108178672-C-G.
Other names: c.5723C>G, p.Thr1908Arg (NM_001351834.2); short protein forms T1908R.
Identifiers: ClinVar variation 1056507 (VCV001056507.9), dbSNP rs2135977089, ClinGen allele CA382547946.

ClinVar aggregate classification (germline): Uncertain significance (1 of 4 stars; one submission).

Conditions:
Ataxia-telangiectasia syndrome (AT). Also called: ATAXIA-TELANGIECTASIA, FRESNO VARIANT; Ataxia-telangiectasia, complementation group D; AT, COMPLEMENTATION GROUP C; Ataxia-telangiectasia; Ataxia-telangiectasia, complementation group E; Ataxia telangiectasia (A-T). Identifiers: Orphanet 100, MedGen C0004135, MONDO:0008840, OMIM 208900.

Submission:

Labcorp Genetics (formerly Invitae), Labcorp
Classification: Uncertain significance for Ataxia-telangiectasia syndrome. Last evaluated: 2020-01-02. Review status: criteria provided, single submitter. Criteria: Invitae Variant Classification Sherloc (09022015). Collection method: clinical testing. Allele origin: germline.
Comment: This sequence change replaces threonine with arginine at codon 1908 of the ATM protein (p.Thr1908Arg). The threonine residue is highly conserved and there is a moderate physicochemical difference between threonine and arginine. This variant is not present in population databases (ExAC no frequency). In summary, the available evidence is currently insufficient to determine the role of this variant in disease. Therefore, it has been classified as a Variant of Uncertain Significance. Algorithms developed to predict the effect of missense changes on protein structure and function are either unavailable or do not agree on the potential impact of this missense change (SIFT: "Deleterious"; PolyPhen-2: "Possibly Damaging"; Align-GVGD: "Class C15"). This variant has not been reported in the literature in individuals with ATM-related conditions.